The following is an entry in ClinVar:

NM_206937.2(LIG4):c.*826A>T

Gene: LIG4 (DNA ligase 4; minus strand). Cytogenetic location: 13q33.3.
Variant type: single nucleotide variant.
Coding change: c.*826A>T on transcript NM_206937.2 (MANE Select); 826 bases downstream of the stop codon, A replaced by T.
Molecular consequence: 3 prime UTR variant.
Genome position (GRCh38, 1-based): chr13:108,207,707, T>A on the plus strand (A>T on the coding strand, the complement: LIG4 is on the minus strand). VCF-style: chr13-108207707-T-A. GRCh37 (hg19) VCF-style: chr13-108860055-T-A.
Other names: c.*826A>T (NM_001098268.2, NM_001330595.2, NM_001352598.2 and 8 more transcripts).
Identifiers: ClinVar variation 310952 (VCV000310952.5), dbSNP rs116018061, ClinGen allele CA10642728.

ClinVar aggregate classification (germline): Benign. Review status: criteria provided, single submitter (1 of 4 stars). 2 submissions from 1 submitter: Benign (2). Last evaluated 2018-01-13.

Conditions:
DNA ligase IV deficiency. Identifiers: Orphanet 99812, MedGen C1847827, MONDO:0011686, OMIM 606593.
Severe combined immunodeficiency due to DCLRE1C deficiency (RS-SCID). Also called: SCID, AUTOSOMAL RECESSIVE, T CELL-NEGATIVE, B CELL-NEGATIVE, NK CELL-POSITIVE, WITH SENSITIVITY TO IONIZING RADIATION. Identifiers: Orphanet 275, MedGen C1865371, MONDO:0011225, OMIM 602450.

Allele frequency attached by ClinVar (database versions not stated): gnomAD 0.03057 and 0.03278; 1000 Genomes Project 30x 0.03467; TOPMed 0.03418; 1000 Genomes Project 0.03534.

Submissions (2):

Illumina Laboratory Services, Illumina
Classification: Benign for Severe combined immunodeficiency due to DCLRE1C deficiency. Last evaluated: 2018-01-13. Review status: criteria provided, single submitter. Criteria: ICSL Variant Classification Criteria 13 December 2019. Collection method: clinical testing. Allele origin: germline.
Comment: This variant was observed in the ICSL laboratory as part of a predisposition screen in an ostensibly healthy population. It had not been previously curated by ICSL or reported in the Human Gene Mutation Database (HGMD: prior to June 1st, 2018), and was therefore a candidate for classification through an automated scoring system. Utilizing variant allele frequency, disease prevalence and penetrance estimates, and inheritance mode, an automated score was calculated to assess if this variant is too frequent to cause the disease. Based on the score and internal cut-off values, a variant classified as benign is not then subjected to further curation. The score for this variant resulted in a classification of benign for this disease.

Illumina Laboratory Services, Illumina
Classification: Benign for DNA ligase IV deficiency. Last evaluated: 2018-01-13. Review status: criteria provided, single submitter. Criteria: ICSL Variant Classification Criteria 13 December 2019. Collection method: clinical testing. Allele origin: germline.
Comment: the same text as in the submission from Illumina Laboratory Services, Illumina above.